The following is an entry in ClinVar:

ClinVar aggregate classification (germline): Uncertain significance (1 of 4 stars; one submission).

Conditions:
Jeune thoracic dystrophy. Also called: Jeune syndrome; Infantile thoracic dystrophy; Thoracic pelvic phalangeal dystrophy; Jeune's syndrome; Chondroectodermal dysplasia-like syndrome; Short-rib thoracic dysplasia. Identifiers: Orphanet 474, MedGen C0265275, MONDO:0018770.

Allele frequency attached by ClinVar (database versions not stated): TOPMed below 0.00001.

Submission:

Labcorp Genetics (formerly Invitae), Labcorp
Classification: Uncertain significance for Jeune thoracic dystrophy. Last evaluated: 2024-01-09. Review status: criteria provided, single submitter. Criteria: Invitae Variant Classification Sherloc (09022015). Collection method: clinical testing. Allele origin: germline.
Comment: This sequence change replaces leucine, which is neutral and non-polar, with phenylalanine, which is neutral and non-polar, at codon 3323 of the DYNC2H1 protein (p.Leu3323Phe). This variant is not present in population databases (gnomAD no frequency). This variant has not been reported in the literature in individuals affected with DYNC2H1-related conditions. Advanced modeling of protein sequence and biophysical properties (such as structural, functional, and spatial information, amino acid conservation, physicochemical variation, residue mobility, and thermodynamic stability) has been performed at Invitae for this missense variant, however the output from this modeling did not meet the statistical confidence thresholds required to predict the impact of this variant on DYNC2H1 protein function. In summary, the available evidence is currently insufficient to determine the role of this variant in disease. Therefore, it has been classified as a Variant of Uncertain Significance.

NM_001377.3(DYNC2H1):c.9948A>C (p.Leu3316Phe)

Gene: DYNC2H1 (dynein cytoplasmic 2 heavy chain 1; plus strand). Cytogenetic location: 11q22.3.
Variant type: single nucleotide variant.
Coding change: c.9948A>C on transcript NM_001377.3 (MANE Select); coding-DNA position 9948, A replaced by C.
Protein change: p.Leu3316Phe; replaces leucine 3316 with phenylalanine.
Molecular consequence: missense variant.
Genome position (GRCh38, 1-based): chr11:103,245,280, A>C. VCF-style: chr11-103245280-A-C. GRCh37 (hg19) VCF-style: chr11-103116009-A-C.
Other names: c.9969A>C, p.Leu3323Phe (NM_001080463.2); short protein forms L3323F, L3316F.
Identifiers: ClinVar variation 2708391 (VCV002708391.3), dbSNP rs1484014604, ClinGen allele CA382245646.